The following is an entry in ClinVar:

ClinVar aggregate classification (germline): Uncertain significance. Review status: criteria provided, multiple submitters, no conflicts (2 of 4 stars). 2 submissions from 2 submitters: Uncertain significance (2). Last evaluated 2025-09-01.

Conditions:
Familial thoracic aortic aneurysm and aortic dissection (TAAD). Also called: Thoracic aortic aneurysms and dissections. Identifiers: Orphanet 91387, MedGen C4707243, MONDO:0019625.

gnomAD v4.1: 4 of 1,614,104 alleles (0.00025%); highest among the groups gnomAD compares: Non-Finnish European, 0.00034%; no homozygotes.

Submissions (2):

Color Diagnostics, LLC DBA Color Health
Classification: Uncertain significance for Familial thoracic aortic aneurysm and aortic dissection. Last evaluated: 2025-09-01. Review status: criteria provided, single submitter. Criteria: ACMG Guidelines, 2015. Collection method: clinical testing. Allele origin: germline.
Comment: This missense variant replaces arginine with lysine at codon 1675 of the MYH11 protein. Computational prediction suggests that this variant may not impact protein structure and function. To our knowledge, functional studies have not been reported for this variant. This variant has not been reported in individuals affected with MYH11-related disorders in the literature. This variant has not been identified in the general population by the Genome Aggregation Database (gnomAD). The available evidence is insufficient to determine the role of this variant in disease conclusively. Therefore, this variant is classified as a Variant of Uncertain Significance.

Ambry Genetics
Classification: Uncertain significance for Familial thoracic aortic aneurysm and aortic dissection. Last evaluated: 2024-11-01. Review status: criteria provided, single submitter. Criteria: Ambry Variant Classification Scheme 2023. Collection method: clinical testing. Allele origin: germline.
Comment: The p.R1668K variant (also known as c.5003G>A), located in coding exon 34 of the MYH11 gene, results from a G to A substitution at nucleotide position 5003. The arginine at codon 1668 is replaced by lysine, an amino acid with highly similar properties. This amino acid position is conserved. In addition, the in silico prediction for this alteration is inconclusive. Based on the available evidence, the clinical significance of this variant remains unclear.

NM_002474.3(MYH11):c.5003G>A (p.Arg1668Lys)

Genes: MYH11 (myosin heavy chain 11; minus strand), NDE1 (nudE neurodevelopment protein 1; plus strand). Cytogenetic location: 16p13.11.
Variant type: single nucleotide variant.
Coding change: c.5003G>A on transcript NM_002474.3 (MANE Select); coding-DNA position 5003, G replaced by A.
Protein change: p.Arg1668Lys; replaces arginine 1668 with lysine.
Molecular consequence: missense variant. On other transcripts: intron variant (2).
Genome position (GRCh38, 1-based): chr16:15,719,664, C>T on the plus strand (G>A on the coding strand, the complement: MYH11 is on the minus strand). VCF-style: chr16-15719664-C-T. GRCh37 (hg19) VCF-style: chr16-15813521-C-T.
Other names: c.5024G>A, p.Arg1675Lys (NM_001040113.2, NM_001040114.2); c.5003G>A, p.Arg1668Lys (NM_022844.3); c.948-4527C>T (NM_001143979.2, NM_017668.3); short protein forms R1668K, R1675K.
Identifiers: ClinVar variation 3400662 (VCV003400662.2).